The following is an entry in ClinVar:

ClinVar aggregate classification (germline): Uncertain significance (1 of 4 stars; one submission).

Conditions:
Congenital disorder of deglycosylation (CDDG). Identifiers: MedGen C3808991, MONDO:0031376.

Submission:

Labcorp Genetics (formerly Invitae), Labcorp
Classification: Uncertain significance for Congenital disorder of deglycosylation. Last evaluated: 2018-05-14. Review status: criteria provided, single submitter. Criteria: Invitae Variant Classification Sherloc (09022015). Collection method: clinical testing. Allele origin: germline.
Comment: This sequence change replaces serine with cysteine at codon 602 of the NGLY1 protein (p.Ser602Cys). The serine residue is moderately conserved and there is a moderate physicochemical difference between serine and cysteine. This variant is not present in population databases (ExAC no frequency). This variant has not been reported in the literature in individuals with NGLY1-related disease. Algorithms developed to predict the effect of missense changes on protein structure and function output the following: SIFT: "Deleterious"; PolyPhen-2: "Benign"; Align-GVGD: "Class C0". The cysteine amino acid residue is found in multiple mammalian species, suggesting that this missense change does not adversely affect protein function. These predictions have not been confirmed by published functional studies and their clinical significance is uncertain. In summary, the available evidence is currently insufficient to determine the role of this variant in disease. Therefore, it has been classified as a Variant of Uncertain Significance.

NM_018297.4(NGLY1):c.1805C>G (p.Ser602Cys)

Gene: NGLY1 (N-glycanase 1; minus strand). Cytogenetic location: 3p24.2.
Variant type: single nucleotide variant.
Coding change: c.1805C>G on transcript NM_018297.4 (MANE Select); coding-DNA position 1805, C replaced by G.
Protein change: p.Ser602Cys; replaces serine 602 with cysteine.
Molecular consequence: missense variant.
Genome position (GRCh38, 1-based): chr3:25,719,620, G>C on the plus strand (C>G on the coding strand, the complement: NGLY1 is on the minus strand). VCF-style: chr3-25719620-G-C. GRCh37 (hg19) VCF-style: chr3-25761111-G-C.
Other names: c.1751C>G, p.Ser584Cys (NM_001145293.2); c.1679C>G, p.Ser560Cys (NM_001145294.2); c.1627C>G, p.Pro543Ala (NM_001145295.2); short protein forms S560C, S602C, S584C, P543A.
Identifiers: ClinVar variation 574032 (VCV000574032.1), dbSNP rs899798907, ClinGen allele CA351893647.
Genomic context (GRCh38, chr3:25,719,620, plus strand): 5'-TCTCCTCTGCTTAATTCTGCTTCCAAAATAACTTCAGTGGCACCAGAAAAATCAGCATAG[G>C]AGTGAAGACTGTTATCTGTTAGAGGGAAAAAAAAAATTAACATTTTGCTTTTGGTAATTT-3'
Protein context (NP_060767.2, residues 592-612): VELTGDNSLH[Ser602Cys]YADFSGATEV